The following is an entry in ClinVar:

NM_001377.3(DYNC2H1):c.-40C>T

Gene: DYNC2H1 (dynein cytoplasmic 2 heavy chain 1; plus strand). Cytogenetic location: 11q22.3.
Variant type: single nucleotide variant.
Coding change: c.-40C>T on transcript NM_001377.3 (MANE Select); 40 bases upstream of the start codon, C replaced by T.
Molecular consequence: 5 prime UTR variant.
Genome position (GRCh38, 1-based): chr11:103,109,535, C>T. VCF-style: chr11-103109535-C-T. GRCh37 (hg19) VCF-style: chr11-102980264-C-T.
Other names: c.-40C>T (NM_001080463.2).
Identifiers: ClinVar variation 514603 (VCV000514603.1), dbSNP rs1555034658, ClinGen allele CA658797718.
Genomic context (GRCh38, chr11:103,109,535, plus strand): 5'-CTACGGGTTTGAGCAAAGCTCCTCTCTTCCCTTCACTTCCCTCCGGACTGGTTTCTTCTT[C>T]CTTCCCCCTTCCCCCAACTTCCCTCCACCCCTTCCAATCATGGCGAACGGGACTGCGGAC-3'

ClinVar aggregate classification (germline): Likely benign (1 of 4 stars; one submission).

Allele frequency attached by ClinVar (database versions not stated): gnomAD exomes below 0.00001.
gnomAD v4.1: 1 of 1,581,906 alleles (0.000063%); highest among the groups gnomAD compares: East Asian, 0.0023%; no homozygotes.

Submission:

GeneDx
Classification: Likely benign. Last evaluated: 2018-01-04. Review status: criteria provided, single submitter. Criteria: GeneDx Variant Classification (06012015). Collection method: clinical testing. Allele origin: germline. Affected: yes.
Comment: This variant is considered likely benign or benign based on one or more of the following criteria: it is a conservative change, it occurs at a poorly conserved position in the protein, it is predicted to be benign by multiple in silico algorithms, and/or has population frequency not consistent with disease.